The following is an entry in ClinVar:

ClinVar aggregate classification (germline): Uncertain significance (1 of 4 stars; one submission).

Submission:

Dasa
Classification: Uncertain significance. Last evaluated: 2026-04-02. Review status: criteria provided, single submitter. Criteria: DASA Assertion Criteria. Collection method: clinical testing. Allele origin: germline.
Comment: NM_002470.4(MYH3):c.1807A>G (p.Asn603Asp) is a missense variant that results in the substitution of asparagine with aspartic acid. This variant is absent from population databases. Computational prediction algorithms are consistent with a deleterious effect. The currently available literature and clinical evidence are not sufficient to establish a definitive association between this variant and the reported condition. Therefore, this variant is classified as a variant of uncertain significance.

NM_002470.4(MYH3):c.1807A>G (p.Asn603Asp)

Gene: MYH3 (myosin heavy chain 3; minus strand). Cytogenetic location: 17p13.1.
Variant type: single nucleotide variant.
Coding change: c.1807A>G on transcript NM_002470.4 (MANE Select); coding-DNA position 1807, A replaced by G.
Protein change: p.Asn603Asp; replaces asparagine 603 with aspartic acid.
Molecular consequence: missense variant.
Genome position (GRCh38, 1-based): chr17:10,642,498, T>C on the plus strand (A>G on the coding strand, the complement: MYH3 is on the minus strand). VCF-style: chr17-10642498-T-C. GRCh37 (hg19) VCF-style: chr17-10545815-T-C.
Other names: short protein forms N603D.
Identifiers: ClinVar variation 4886024 (VCV004886024.2).